The following is an entry in ClinVar:

NM_002979.5(SCP2):c.1171A>T (p.Asn391Tyr)

Gene: SCP2 (sterol carrier protein 2; plus strand). Cytogenetic location: 1p32.3.
Variant type: single nucleotide variant.
Coding change: c.1171A>T on transcript NM_002979.5 (MANE Select); coding-DNA position 1171, A replaced by T.
Protein change: p.Asn391Tyr; replaces asparagine 391 with tyrosine.
Molecular consequence: missense variant. On other transcripts: 5 prime UTR variant (3).
Genome position (GRCh38, 1-based): chr1:53,014,979, A>T. VCF-style: chr1-53014979-A-T. GRCh37 (hg19) VCF-style: chr1-53480651-A-T.
Other names: c.-42A>T (NM_001007099.3, NM_001007100.3, NM_001007250.3); c.1099A>T, p.Asn367Tyr (NM_001193599.2); c.1039A>T, p.Asn347Tyr (NM_001193600.2); c.928A>T, p.Asn310Tyr (NM_001193617.2); short protein forms N391Y, N367Y, N310Y, N347Y.
Identifiers: ClinVar variation 2107124 (VCV002107124.2), dbSNP rs939136447, ClinGen allele CA22603262.
Genomic context (GRCh38, chr1:53,014,979, plus strand): 5'-CAGCTGAGAGGGGAAGCCGGAAAGAGGCAAGTTCCTGGTGCAAAGGTGGCTCTGCAGCAT[A>T]ATTTAGGCATTGGAGGAGCTGTGGTTGTAACACTCTACAAGATGGGTTTTCCGGAAGCCG-3'
Protein context (NP_002970.2, residues 381-401): VPGAKVALQH[Asn391Tyr]LGIGGAVVVT

ClinVar aggregate classification (germline): Uncertain significance (1 of 4 stars; one submission).

gnomAD v4.1: 4 of 1,614,148 alleles (0.00025%); highest among the groups gnomAD compares: Non-Finnish European, 0.00034%; no homozygotes.

Submission:

Labcorp Genetics (formerly Invitae), Labcorp
Classification: Uncertain significance. Last evaluated: 2023-10-22. Review status: criteria provided, single submitter. Criteria: Invitae Variant Classification Sherloc (09022015). Collection method: clinical testing. Allele origin: germline.
Comment: This sequence change replaces asparagine, which is neutral and polar, with tyrosine, which is neutral and polar, at codon 391 of the SCP2 protein (p.Asn391Tyr). This variant is not present in population databases (gnomAD no frequency). This variant has not been reported in the literature in individuals affected with SCP2-related conditions. ClinVar contains an entry for this variant (Variation ID: 2107124). An algorithm developed to predict the effect of missense changes on protein structure and function (PolyPhen-2) suggests that this variant is likely to be disruptive. In summary, the available evidence is currently insufficient to determine the role of this variant in disease. Therefore, it has been classified as a Variant of Uncertain Significance.